The following is an entry in ClinVar:

ClinVar aggregate classification (germline): Likely benign (1 of 4 stars; one submission).

gnomAD v4.1: 1 of 1,613,848 alleles (0.000062%); highest among the groups gnomAD compares: Non-Finnish European, 0.000085%; no homozygotes.

Submission:

Molecular Diagnostic Laboratory for Inherited Cardiovascular Disease, Montreal Heart Institute
Classification: Likely benign. Last evaluated: 2025-04-09. Review status: criteria provided, single submitter. Criteria: ACMG Guidelines, 2015. Collection method: clinical testing. Allele origin: germline. Affected: no.
Comment: BP1

NM_001267550.2(TTN):c.15112A>G (p.Ile5038Val)

Gene: TTN (titin; minus strand). Cytogenetic location: 2q31.2.
Variant type: single nucleotide variant.
Coding change: c.15112A>G on transcript NM_001267550.2 (MANE Select); coding-DNA position 15112, A replaced by G.
Protein change: p.Ile5038Val; replaces isoleucine 5038 with valine.
Molecular consequence: missense variant. On other transcripts: intron variant (3).
Genome position (GRCh38, 1-based): chr2:178,734,812, T>C on the plus strand (A>G on the coding strand, the complement: TTN is on the minus strand). VCF-style: chr2-178734812-T-C. GRCh37 (hg19) VCF-style: chr2-179599539-T-C.
Other names: c.14161A>G, p.Ile4721Val (NM_001256850.1); c.11380A>G, p.Ile3794Val (NM_133378.4); c.13282+3270A>G (NM_003319.4); c.13858+3270A>G (NM_133437.4); c.13657+3270A>G (NM_133432.3); short protein forms I3794V, I4721V, I5038V.
Identifiers: ClinVar variation 3895438 (VCV003895438.1), dbSNP rs2081160150.